The following is an entry in ClinVar:

NM_004006.3(DMD):c.2941del (p.Glu981fs)

Gene: DMD (dystrophin; minus strand). Cytogenetic location: Xp21.1.
Variant type: Deletion.
Coding change: c.2941del on transcript NM_004006.3 (MANE Select); coding-DNA position 2941, one base deleted (G; older notation c.2941delG).
Protein change: p.Glu981fs; shifts the reading frame from glutamic acid 981.
Molecular consequence: frameshift variant.
Genome position (GRCh38, 1-based): chrX:32,472,172, C deleted on the plus strand (G on the coding strand, the reverse complement: DMD is on the minus strand); the first of 4 consecutive C bases (chrX:32,472,172-32,472,175); deleting any one gives the same sequence. VCF-style (leftmost placement, unchanged base first): chrX-32472171-TC-T. GRCh37 (hg19) VCF-style: chrX-32490288-TC-T.
Other names: c.2917del, p.Glu973fs (NM_000109.4); c.2929del, p.Glu977fs (NM_004009.3); c.2572del, p.Glu858fs (NM_004010.3); short protein forms E858fs, E977fs, E973fs, E981fs.
Identifiers: ClinVar variation 2849743 (VCV002849743.3), dbSNP rs2524674757, ClinGen allele CA2739273369.
Genomic context (GRCh38, chrX:32,472,171, plus strand): 5'-GTGAATGCTTGATAAGCGTGCTTTATTGTTTTGACATTCAAATATTCACAGACCTGCAAT[TC>T]CCCGAGTCTCTGCTCCATGATTTCATAGTCGGTGACACTAAGTTGAGGTATGGAGAGTTT-3'

ClinVar aggregate classification (germline): Pathogenic (1 of 4 stars; one submission).

Conditions:
Duchenne muscular dystrophy (DMD). Also called: MUSCULAR DYSTROPHY, PSEUDOHYPERTROPHIC PROGRESSIVE, DUCHENNE TYPE; Duchenne Muscular Dystrophy (DMD). Identifiers: Orphanet 98896, MedGen C0013264, MONDO:0010679, OMIM 310200.

Submission:

Labcorp Genetics (formerly Invitae), Labcorp
Classification: Pathogenic for Duchenne muscular dystrophy. Last evaluated: 2023-08-11. Review status: criteria provided, single submitter. Criteria: Invitae Variant Classification Sherloc (09022015). Collection method: clinical testing. Allele origin: germline.
Comment: This variant is not present in population databases (gnomAD no frequency). This sequence change creates a premature translational stop signal (p.Glu981Asnfs*23) in the DMD gene. It is expected to result in an absent or disrupted protein product. Loss-of-function variants in DMD are known to be pathogenic (PMID: 16770791, 25007885). For these reasons, this variant has been classified as Pathogenic. This variant has not been reported in the literature in individuals affected with DMD-related conditions.

Literature cited by the submitters: PubMed 16770791; PubMed 25007885.